The following is an entry in ClinVar:

ClinVar aggregate classification (germline): Uncertain significance. Review status: criteria provided, multiple submitters, no conflicts (2 of 4 stars). 3 submissions from 3 submitters: Uncertain significance (3). Last evaluated 2025-03-25.

Conditions:
Hereditary cancer-predisposing syndrome. Also called: Tumor predisposition; Neoplastic Syndromes, Hereditary; Hereditary Cancer Syndrome; Hereditary neoplastic syndrome. Identifiers: Orphanet 140162, MedGen C0027672, MeSH D009386, MONDO:0015356.
Peutz-Jeghers syndrome (PJS). Also called: POLYPOSIS, HAMARTOMATOUS INTESTINAL; POLYPS-AND-SPOTS SYNDROME; Peutz-Jeghers polyposis; Periorificial lentiginosis syndrome. Identifiers: Orphanet 2869, MedGen C0031269, MeSH D010580, MONDO:0008280, OMIM 175200.

gnomAD v4.1: 1 of 1,613,928 alleles (0.000062%); highest among the groups gnomAD compares: Non-Finnish European, 0.000085%; no homozygotes.

Submissions (3):

GeneDx
Classification: Uncertain significance. Last evaluated: 2025-03-25. Review status: criteria provided, single submitter. Criteria: GeneDx Variant Classification Process June 2021. Collection method: clinical testing. Allele origin: germline. Affected: yes.
Comment: Not observed at significant frequency in large population cohorts (gnomAD); In silico analysis indicates that this missense variant does not alter protein structure/function; Has not been previously published as pathogenic or benign to our knowledge; This variant is associated with the following publications: (PMID: 15863673)

Labcorp Genetics (formerly Invitae), Labcorp
Classification: Uncertain significance for Peutz-Jeghers syndrome. Last evaluated: 2023-12-14. Review status: criteria provided, single submitter. Criteria: Invitae Variant Classification Sherloc (09022015). Collection method: clinical testing. Allele origin: germline.
Comment: This sequence change replaces leucine, which is neutral and non-polar, with valine, which is neutral and non-polar, at codon 54 of the STK11 protein (p.Leu54Val). This variant is not present in population databases (gnomAD no frequency). This variant has not been reported in the literature in individuals affected with STK11-related conditions. ClinVar contains an entry for this variant (Variation ID: 1776360). Advanced modeling of protein sequence and biophysical properties (such as structural, functional, and spatial information, amino acid conservation, physicochemical variation, residue mobility, and thermodynamic stability) performed at Invitae indicates that this missense variant is not expected to disrupt STK11 protein function with a negative predictive value of 95%. In summary, the available evidence is currently insufficient to determine the role of this variant in disease. Therefore, it has been classified as a Variant of Uncertain Significance.

Ambry Genetics
Classification: Uncertain significance for Hereditary cancer-predisposing syndrome. Last evaluated: 2020-10-09. Review status: criteria provided, single submitter. Criteria: Ambry Variant Classification Scheme 2023. Collection method: clinical testing. Allele origin: germline.
Comment: The p.L54V variant (also known as c.160C>G), located in coding exon 1 of the STK11 gene, results from a C to G substitution at nucleotide position 160. The leucine at codon 54 is replaced by valine, an amino acid with highly similar properties. This amino acid position is highly conserved in available vertebrate species. In addition, this alteration is predicted to be tolerated by in silico analysis. Since supporting evidence is limited at this time, the clinical significance of this alteration remains unclear.

NM_000455.5(STK11):c.160C>G (p.Leu54Val)

Gene: STK11 (serine/threonine kinase 11; plus strand). Cytogenetic location: 19p13.3.
Variant type: single nucleotide variant.
Coding change: c.160C>G on transcript NM_000455.5 (MANE Select); coding-DNA position 160, C replaced by G.
Protein change: p.Leu54Val; replaces leucine 54 with valine.
Molecular consequence: missense variant.
Genome position (GRCh38, 1-based): chr19:1,207,073, C>G. VCF-style: chr19-1207073-C-G. GRCh37 (hg19) VCF-style: chr19-1207072-C-G.
Other names: c.160C>G, p.Leu54Val (NM_001407255.1); short protein forms L54V.
Identifiers: ClinVar variation 1776360 (VCV001776360.6), dbSNP rs755390787, ClinGen allele CA402944108.
Genomic context (GRCh38, chr19:1,207,073, plus strand): 5'-GTCATCTACCAGCCGCGCCGCAAGCGGGCCAAGCTCATCGGCAAGTACCTGATGGGGGAC[C>G]TGCTGGGGGAAGGCTCTTACGGCAAGGTGAAGGAGGTGCTGGACTCGGAGACGCTGTGCA-3'
Protein context (NP_000446.1, residues 44-64): KLIGKYLMGD[Leu54Val]LGEGSYGKVK